The following is an entry in ClinVar:

NM_014855.3(AP5Z1):c.*92G>A

Gene: AP5Z1 (adaptor related protein complex 5 subunit zeta 1; plus strand). Cytogenetic location: 7p22.1.
Variant type: single nucleotide variant.
Coding change: c.*92G>A on transcript NM_014855.3 (MANE Select); 92 bases downstream of the stop codon, G replaced by A.
Molecular consequence: 3 prime UTR variant. On other transcripts: non-coding transcript variant (1).
Genome position (GRCh38, 1-based): chr7:4,791,477, G>A. VCF-style: chr7-4791477-G-A. GRCh37 (hg19) VCF-style: chr7-4831108-G-A.
Other names: c.*92G>A (LRG_1247t1, NM_001364858.1).
Identifiers: ClinVar variation 360347 (VCV000360347.33), dbSNP rs112283999, ClinGen allele CA10629162.
Genomic context (GRCh38, chr7:4,791,477, plus strand): 5'-TAAGAGCCTGGGCAGCCAGCTTGCTACTGAGGCCAGGCTGATAGGAGCTCAGGAGGGCGC[G>A]GGAGTCCTGGGAGAGGAGGCAAGGCCCACGGTGGGCTTGGCACCCTCACAGACACGCGGG-3'

ClinVar aggregate classification (germline): Conflicting classifications of pathogenicity. Review status: criteria provided, conflicting classifications (1 of 4 stars). 3 submissions from 3 submitters: Uncertain significance (2); Benign (1). Last evaluated 2023-05-01.

Conditions:
Hereditary spastic paraplegia 48. Also called: Spastic paraplegia 48; SPASTIC PARAPLEGIA 48, AUTOSOMAL RECESSIVE. Identifiers: Orphanet 306511, MedGen C3150901, MONDO:0013342, OMIM 613647.

Allele frequency attached by ClinVar (database versions not stated): 1000 Genomes Project 30x 0.00234; 1000 Genomes Project 0.00240; TOPMed 0.00638; gnomAD 0.00679 and 0.00696.
gnomAD v4.1: 13,627 of 1,463,270 alleles (0.93%); highest among the groups gnomAD compares: Middle Eastern, 2.1%; 91 homozygotes.

Submissions (3):

CeGaT Center for Human Genetics Tuebingen
Classification: Benign. Last evaluated: 2023-05-01. Review status: criteria provided, single submitter. Criteria: CeGaT Center For Human Genetics Tuebingen Variant Classification Criteria Version 2. Collection method: clinical testing. Allele origin: germline. Affected: yes. Observed: 2 variant alleles.
Comment: AP5Z1: BS1, BS2

Illumina Laboratory Services, Illumina
Classification: Uncertain significance for Hereditary spastic paraplegia 48. Last evaluated: 2018-01-13. Review status: criteria provided, single submitter. Criteria: ICSL Variant Classification Criteria 13 December 2019. Collection method: clinical testing. Allele origin: germline.

Breakthrough Genomics
Classification: Uncertain significance. Review status: criteria provided, single submitter. Criteria: ACMG Guidelines, 2015. Collection method: not provided. Allele origin: germline. Inheritance: Autosomal recessive inheritance. Affected: yes.